The following is an entry in ClinVar:

NM_001378969.1(KCND3):c.1676A>G (p.Asn559Ser)

Gene: KCND3 (potassium voltage-gated channel subfamily D member 3; minus strand). Cytogenetic location: 1p13.2.
Variant type: single nucleotide variant.
Coding change: c.1676A>G on transcript NM_001378969.1 (MANE Select); coding-DNA position 1676, A replaced by G.
Protein change: p.Asn559Ser; replaces asparagine 559 with serine.
Molecular consequence: missense variant.
Genome position (GRCh38, 1-based): chr1:111,777,116, T>C on the plus strand (A>G on the coding strand, the complement: KCND3 is on the minus strand). VCF-style: chr1-111777116-T-C. GRCh37 (hg19) VCF-style: chr1-112319738-T-C.
Other names: c.1619A>G, p.Asn540Ser (NM_001378970.1, NM_172198.3); c.1676A>G, p.Asn559Ser (NM_004980.5); short protein forms N540S, N559S.
Identifiers: ClinVar variation 4682375 (VCV004682375.1).
Genomic context (GRCh38, chr1:111,777,116, plus strand): 5'-TGGATGTGGATCGTGCTGAGCTCTTGCATGCTGCGCAGGCGAGTAGCTGGCAGGTTAGAA[T>C]TGGGCAGGTGTGTGGTCTTCTTACTACGACGGGAGCAGCAGGTGGTAGTGAGGCCTGGGT-3'
Protein context (NP_001365898.1, residues 549-569): RRSKKTTHLP[Asn559Ser]SNLPATRLRS

ClinVar aggregate classification (germline): Uncertain significance (1 of 4 stars; one submission).

Submission:

Athena Diagnostics
Classification: Uncertain significance. Last evaluated: 2025-01-21. Review status: criteria provided, single submitter. Criteria: Athena Diagnostics Criteria. Collection method: clinical testing. Allele origin: unknown.
Comment: Available data are insufficient to determine the clinical significance of the variant at this time. This variant has not been reported in large, multi-ethnic general populations. Polyphen and MutationTaster predict this amino acid change may be benign.